The following is an entry in ClinVar:

NM_001376.5(DYNC1H1):c.11472G>A (p.Leu3824=)

Gene: DYNC1H1 (dynein cytoplasmic 1 heavy chain 1; plus strand). Cytogenetic location: 14q32.31.
Variant type: single nucleotide variant.
Coding change: c.11472G>A on transcript NM_001376.5 (MANE Select); coding-DNA position 11472, G replaced by A.
Protein change: p.Leu3824=; no amino-acid change (leucine 3824 retained).
Molecular consequence: synonymous variant.
Genome position (GRCh38, 1-based): chr14:102,039,423, G>A. VCF-style: chr14-102039423-G-A. GRCh37 (hg19) VCF-style: chr14-102505760-G-A.
Other names: c.11472G>A (NM_001376.4).
Identifiers: ClinVar variation 1126222 (VCV001126222.12), dbSNP rs775618965, ClinGen allele CA7353627.
Genomic context (GRCh38, chr14:102,039,423, plus strand): 5'-GCGGGGTGCCGAGGGAGCTGCCTCACCGCTGCCCACTGCTTCCTTTCAGATACACTTCTT[G>A]TACCAGTACTCCCTCCAGTTTTTCCTGGACATTTATCACAACGTCCTATACGAGAACCCG-3'
Protein context (NP_001367.2, residues 3814-3834): TMESLKQIHF[Leu3824=]YQYSLQFFLD

ClinVar aggregate classification (germline): Conflicting classifications of pathogenicity. Review status: criteria provided, conflicting classifications (1 of 4 stars). 2 submissions from 2 submitters: Uncertain significance (1); Likely benign (1). Last evaluated 2026-07-01.

Conditions:
Charcot-Marie-Tooth disease axonal type 2O. Also called: Charcot-Marie-Tooth Neuropathy Type 2O; Charcot-Marie-Tooth disease, axonal, type 20; CHARCOT-MARIE-TOOTH NEUROPATHY, AXONAL, TYPE 2O; CHARCOT-MARIE-TOOTH DISEASE, AXONAL, AUTOSOMAL DOMINANT, TYPE 2O. Identifiers: Orphanet 284232, MedGen C3280220, MONDO:0013644, OMIM 614228.

Allele frequency attached by ClinVar (database versions not stated): gnomAD exomes below 0.00001 and 0.00002; ExAC 0.00001.
gnomAD v4.1: 33 of 1,614,226 alleles (0.002%); highest among the groups gnomAD compares: Non-Finnish European, 0.0028%; no homozygotes.

Submissions (2):

GeneDx
Classification: Uncertain significance. Last evaluated: 2026-07-01. Review status: criteria provided, single submitter. Criteria: GeneDx Variant Classification Process June 2021. Collection method: clinical testing. Allele origin: germline.
Comment: Has not been previously published as pathogenic or benign to our knowledge; In silico analysis suggests this variant may impact gene splicing. In the absence of RNA/functional studies, the actual effect of this sequence change is unknown.

Labcorp Genetics (formerly Invitae), Labcorp
Classification: Likely benign for Charcot-Marie-Tooth disease axonal type 2O. Last evaluated: 2025-11-24. Review status: criteria provided, single submitter. Criteria: Invitae Variant Classification Sherloc (09022015). Collection method: clinical testing. Allele origin: germline.